The following is an entry in ClinVar:

ClinVar aggregate classification (germline): Likely benign. Review status: criteria provided, single submitter (1 of 4 stars). 2 submissions from 2 submitters: Likely benign (1). 1 of the submissions does not count toward it. Last evaluated 2024-06-24.

Conditions:
LRBA-related disorder. Also called: LRBA-related condition.
Combined immunodeficiency due to LRBA deficiency. Also called: Common variable immunodeficiency 8, with autoimmunity. Identifiers: Orphanet 445018, MedGen C3553512, MONDO:0013863, OMIM 614700.

Allele frequency attached by ClinVar (database versions not stated): gnomAD exomes 0.00001; gnomAD 0.00003 and 0.00004; TOPMed 0.00003; ESP Exome Variant Server 0.00008.
gnomAD v4.1: 62 of 1,586,192 alleles (0.0039%); highest among the groups gnomAD compares: Non-Finnish European, 0.0048%; no homozygotes.

Submissions (2):

Labcorp Genetics (formerly Invitae), Labcorp
Classification: Likely benign for Combined immunodeficiency due to LRBA deficiency. Last evaluated: 2024-06-24. Review status: criteria provided, single submitter. Criteria: Invitae Variant Classification Sherloc (09022015). Collection method: clinical testing. Allele origin: germline.

PreventionGenetics, part of Exact Sciences
Classification: Likely benign for LRBA-related condition. Last evaluated: 2023-05-17. Review status: no assertion criteria provided. Collection method: clinical testing. Allele origin: germline. Not counted in ClinVar's aggregate classification.
Comment: This variant is classified as likely benign based on ACMG/AMP sequence variant interpretation guidelines (Richards et al. 2015 PMID: 25741868, with internal and published modifications).

NM_001364905.1(LRBA):c.2361G>C (p.Leu787=)

Gene: LRBA (LPS responsive beige-like anchor protein; minus strand). Cytogenetic location: 4q31.3.
Variant type: single nucleotide variant.
Coding change: c.2361G>C on transcript NM_001364905.1 (MANE Select); coding-DNA position 2361, G replaced by C.
Protein change: p.Leu787=; no amino-acid change (leucine 787 retained).
Molecular consequence: synonymous variant.
Genome position (GRCh38, 1-based): chr4:150,871,351, C>G on the plus strand (G>C on the coding strand, the complement: LRBA is on the minus strand). VCF-style: chr4-150871351-C-G. GRCh37 (hg19) VCF-style: chr4-151792503-C-G.
Other names: c.2361G>C, p.Leu787= (NM_001199282.3, NM_001367550.1, NM_006726.5).
Identifiers: ClinVar variation 1132224 (VCV001132224.11), dbSNP rs367944803, ClinGen allele CA107834695.